The following is an entry in ClinVar:

NM_000059.4(BRCA2):c.6304G>T (p.Val2102Leu)

Gene: BRCA2 (BRCA2 DNA repair associated; plus strand). Cytogenetic location: 13q13.1.
Variant type: single nucleotide variant.
Coding change: c.6304G>T on transcript NM_000059.4 (MANE Select); coding-DNA position 6304, G replaced by T.
Protein change: p.Val2102Leu; replaces valine 2102 with leucine.
Molecular consequence: missense variant.
Genome position (GRCh38, 1-based): chr13:32,340,659, G>T. VCF-style: chr13-32340659-G-T. GRCh37 (hg19) VCF-style: chr13-32914796-G-T.
Other names: short protein forms V2102L.
Identifiers: ClinVar variation 52051 (VCV000052051.22), dbSNP rs80358869, ClinGen allele CA023842.

ClinVar aggregate classification (germline): Conflicting classifications of pathogenicity. Review status: criteria provided, conflicting classifications (1 of 4 stars). 8 submissions from 8 submitters: Uncertain significance (5); Likely benign (2). 1 of the submissions does not count toward it. Last evaluated 2025-02-09.

Conditions:
Hereditary cancer-predisposing syndrome. Also called: Neoplastic Syndromes, Hereditary; Tumor predisposition; Hereditary neoplastic syndrome; Hereditary Cancer Syndrome. Identifiers: Orphanet 140162, MedGen C0027672, MeSH D009386, MONDO:0015356.
Hereditary breast ovarian cancer syndrome. Also called: Hereditary breast and ovarian cancer syndrome; Hereditary breast and ovarian cancer; Hereditary breast and ovarian cancer syndrome (HBOC); Breast and ovarian cancer; Hereditary breast and/or ovarian cancer syndrome; BRCA1- and BRCA2-Associated Hereditary Breast and Ovarian Cancer. Identifiers: Orphanet 145, MedGen C0677776, MeSH D061325, MONDO:0003582. Disease mechanism: loss of function.
Breast-ovarian cancer, familial, susceptibility to, 2 (BROVCA2). Also called: BRCA2 Hereditary Breast and Ovarian Cancer. Identifiers: Orphanet 145, MedGen C2675520, MONDO:0012933, OMIM 612555. Disease mechanism: loss of function.

Submissions (8):

Labcorp Genetics (formerly Invitae), Labcorp
Classification: Uncertain significance for Hereditary breast ovarian cancer syndrome. Last evaluated: 2025-02-09. Review status: criteria provided, single submitter. Criteria: Invitae Variant Classification Sherloc (09022015). Collection method: clinical testing. Allele origin: germline.
Comment: This sequence change replaces valine, which is neutral and non-polar, with leucine, which is neutral and non-polar, at codon 2102 of the BRCA2 protein (p.Val2102Leu). This variant is not present in population databases (gnomAD no frequency). This variant has not been reported in the literature in individuals affected with BRCA2-related conditions. ClinVar contains an entry for this variant (Variation ID: 52051). Invitae Evidence Modeling of protein sequence and biophysical properties (such as structural, functional, and spatial information, amino acid conservation, physicochemical variation, residue mobility, and thermodynamic stability) indicates that this missense variant is not expected to disrupt BRCA2 protein function with a negative predictive value of 95%. In summary, the available evidence is currently insufficient to determine the role of this variant in disease. Therefore, it has been classified as a Variant of Uncertain Significance.

Color Diagnostics, LLC DBA Color Health
Classification: Uncertain significance for Hereditary cancer-predisposing syndrome. Last evaluated: 2023-12-05. Review status: criteria provided, single submitter. Criteria: ACMG Guidelines, 2015. Collection method: clinical testing. Allele origin: germline.
Comment: This missense variant replaces valine with leucine at codon 2102 of the BRCA2 protein. Computational prediction suggests that this variant may not impact protein structure and function (internally defined REVEL score threshold <= 0.5, PMID: 27666373). To our knowledge, functional studies have not been reported for this variant. This variant has not been reported in individuals affected with BRCA2-related disorders in the literature. This variant has not been identified in the general population by the Genome Aggregation Database (gnomAD). The available evidence is insufficient to determine the role of this variant in disease conclusively. Therefore, this variant is classified as a Variant of Uncertain Significance.

All of Us Research Program, National Institutes of Health
Classification: Uncertain significance for Breast-ovarian cancer, familial, susceptibility to, 2. Last evaluated: 2023-04-03. Review status: criteria provided, single submitter. Criteria: ACMG Guidelines, 2015. Collection method: clinical testing. Allele origin: germline. Inheritance: Autosomal dominant inheritance. Observed: 1 variant allele, 1 heterozygote.
Comment: This study involves interpretation of variants in research participants for the purpose of population health screening. Participant phenotype was not available at the time of variant classification. Additional details can be found in publication PMID: 35346344, PMCID: PMC8962531

University of Washington Department of Laboratory Medicine, University of Washington
Classification: Likely benign for Hereditary cancer-predisposing syndrome. Last evaluated: 2023-03-23. Review status: criteria provided, single submitter. Criteria: Dines et al. (Genet Med. 2020). Collection method: curation. Allele origin: germline.
Comment: Missense variant in a coldspot region where missense variants are very unlikely to be pathogenic (PMID:31911673).

BRCA2 exon 11 coldspot. Reclassification based on statistical prior probability.

Quest Diagnostics Nichols Institute San Juan Capistrano
Classification: Uncertain significance. Last evaluated: 2021-06-06. Review status: criteria provided, single submitter. Criteria: Quest Diagnostics criteria. Collection method: clinical testing. Allele origin: unknown.

GeneDx
Classification: Uncertain significance. Last evaluated: 2016-01-13. Review status: criteria provided, single submitter. Criteria: GeneDx Variant Classification (06012015). Collection method: clinical testing. Allele origin: germline. Affected: yes.
Comment: This variant is denoted BRCA2 c.6304G>T at the cDNA level, p.Val2102Leu (V2102L) at the protein level, and results in the change of a Valine to a Leucine (GTA>TTA). Using alternate nomenclature, this variant would be defined as BRCA2 6532G>T. This variant has not, to our knowledge, been published in the literature as pathogenic or benign. BRCA2 Val2102Leu was not observed in approximately 6,500 individuals of European and African American ancestry in the NHLBI Exome Sequencing Project, suggesting it is not a common benign variant in these populations. Since Valine and Leucine share similar properties, this is considered a conservative amino acid substitution. BRCA2 Val2102Leu occurs at a position that is not conserved and is not located in a known functional domain (UniProt). In silico analyses predict that this variant is unlikely to alter protein structure or function. Based on currently available evidence, it is unclear whether BRCA2 Val2102Leu is pathogenic or benign. We consider it to be a variant of uncertain significance.

Ambry Genetics
Classification: Likely benign for Hereditary cancer-predisposing syndrome. Last evaluated: 2015-10-19. Review status: criteria provided, single submitter. Criteria: Ambry Variant Classification Scheme 2023. Collection method: clinical testing. Allele origin: germline.

Breast Cancer Information Core (BIC) (BRCA2)
Classification: Uncertain significance for Breast-ovarian cancer, familial 2. Last evaluated: 2003-12-23. Review status: no assertion criteria provided. Collection method: clinical testing. Allele origin: germline. Affected: yes. Observed: 1 variant allele. Not counted in ClinVar's aggregate classification.